The following is an entry in ClinVar:

NM_001142800.2(EYS):c.4469C>T (p.Ser1490Leu)

Gene: EYS (eyes shut homolog; minus strand). Cytogenetic location: 6q12.
Variant type: single nucleotide variant.
Coding change: c.4469C>T on transcript NM_001142800.2 (MANE Select); coding-DNA position 4469, C replaced by T.
Protein change: p.Ser1490Leu; replaces serine 1490 with leucine.
Molecular consequence: missense variant.
Genome position (GRCh38, 1-based): chr6:64,591,398, G>A on the plus strand (C>T on the coding strand, the complement: EYS is on the minus strand). VCF-style: chr6-64591398-G-A. GRCh37 (hg19) VCF-style: chr6-65301291-G-A.
Other names: c.4469C>T, p.Ser1490Leu (NM_001292009.2); short protein forms S1490L.
Identifiers: ClinVar variation 2150066 (VCV002150066.2), dbSNP rs752244384, ClinGen allele CA3877079.

ClinVar aggregate classification (germline): Uncertain significance. Review status: criteria provided, multiple submitters, no conflicts (2 of 4 stars). 2 submissions from 2 submitters: Uncertain significance (2). Last evaluated 2023-10-01.

Conditions:
Retinal dystrophy. Also called: Inherited retinal dystrophy. Identifiers: Orphanet 71862, MedGen C0854723, MeSH D058499, MONDO:0019118, HP:0000556.

Allele frequency attached by ClinVar (database versions not stated): gnomAD exomes 0.00001; ExAC 0.00005.
gnomAD v4.1: 10 of 1,551,258 alleles (0.00064%); highest among the groups gnomAD compares: East Asian, 0.015%; no homozygotes.

Submissions (2):

Dept Of Ophthalmology, Nagoya University
Classification: Uncertain significance for Retinal dystrophy. Last evaluated: 2023-10-01. Review status: criteria provided, single submitter. Criteria: Submitter's publication. Collection method: research. Allele origin: germline. Affected: yes.

Labcorp Genetics (formerly Invitae), Labcorp
Classification: Uncertain significance. Last evaluated: 2021-08-24. Review status: criteria provided, single submitter. Criteria: Invitae Variant Classification Sherloc (09022015). Collection method: clinical testing. Allele origin: germline.
Comment: This sequence change replaces serine with leucine at codon 1490 of the EYS protein (p.Ser1490Leu). The serine residue is moderately conserved and there is a large physicochemical difference between serine and leucine. This variant is present in population databases (rs752244384, ExAC 0.05%). This variant has not been reported in the literature in individuals affected with EYS-related conditions. Algorithms developed to predict the effect of missense changes on protein structure and function are either unavailable or do not agree on the potential impact of this missense change (SIFT: "Tolerated"; PolyPhen-2: "Possibly Damaging"; Align-GVGD: "Class C0"). In summary, the available evidence is currently insufficient to determine the role of this variant in disease. Therefore, it has been classified as a Variant of Uncertain Significance.